The following is an entry in ClinVar:

ClinVar aggregate classification (germline): Likely benign (1 of 4 stars; one submission).

Conditions:
Tay-Sachs disease, variant AB. Also called: Gm2-gangliosidosis, ab variant; GM2 Activator Deficiency. Identifiers: Orphanet 309246, MedGen C0268275, MONDO:0010099, OMIM 272750.

Allele frequency attached by ClinVar (database versions not stated): TOPMed 0.00075; gnomAD 0.00151 and 0.00148; 1000 Genomes Project 0.00080; gnomAD exomes 0.00082; 1000 Genomes Project 30x 0.00109.
gnomAD v4.1: 422 of 400,340 alleles (0.11%); highest among the groups gnomAD compares: Non-Finnish European, 0.11%; 2 homozygotes.

Submission:

Illumina Laboratory Services, Illumina
Classification: Likely benign for Tay-Sachs disease, variant AB. Last evaluated: 2018-01-13. Review status: criteria provided, single submitter. Criteria: ICSL Variant Classification Criteria 13 December 2019. Collection method: clinical testing. Allele origin: germline.
Comment: This variant was observed in the ICSL laboratory as part of a predisposition screen in an ostensibly healthy population. It had not been previously curated by ICSL or reported in the Human Gene Mutation Database (HGMD: prior to June 1st, 2018), and was therefore a candidate for classification through an automated scoring system. Utilizing variant allele frequency, disease prevalence and penetrance estimates, and inheritance mode, an automated score was calculated to assess if this variant is too frequent to cause the disease. Based on the score and internal cut-off values, a variant classified as likely benign is not then subjected to further curation. The score for this variant resulted in a classification of likely benign for this disease.

NM_000405.5(GM2A):c.*864C>T

Gene: GM2A (ganglioside GM2 activator; plus strand). Cytogenetic location: 5q33.1.
Variant type: single nucleotide variant.
Coding change: c.*864C>T on transcript NM_000405.5 (MANE Select); 864 bases downstream of the stop codon, C replaced by T.
Molecular consequence: 3 prime UTR variant.
Genome position (GRCh38, 1-based): chr5:151,268,315, C>T. VCF-style: chr5-151268315-C-T. GRCh37 (hg19) VCF-style: chr5-150647876-C-T.
Other names: c.*675C>T (NM_001167607.3).
Identifiers: ClinVar variation 907621 (VCV000907621.4), dbSNP rs191120902, ClinGen allele CA129900612.